The following is an entry in ClinVar:

NM_005876.5(SPEG):c.4605C>T (p.Tyr1535=)

Gene: SPEG (striated muscle enriched protein kinase; plus strand). Cytogenetic location: 2q35.
Variant type: single nucleotide variant.
Coding change: c.4605C>T on transcript NM_005876.5 (MANE Select); coding-DNA position 4605, C replaced by T.
Protein change: p.Tyr1535=; no amino-acid change (tyrosine 1535 retained).
Molecular consequence: synonymous variant.
Genome position (GRCh38, 1-based): chr2:219,477,321, C>T. VCF-style: chr2-219477321-C-T. GRCh37 (hg19) VCF-style: chr2-220342043-C-T.
Other names: c.4605C>T (NM_005876.4).
Identifiers: ClinVar variation 2176538 (VCV002176538.7), dbSNP rs202010201, ClinGen allele CA2126572.

ClinVar aggregate classification (germline): Likely benign. Review status: criteria provided, multiple submitters, no conflicts (2 of 4 stars). 3 submissions from 3 submitters: Likely benign (2). 1 of the submissions does not count toward it. Last evaluated 2025-12-02.

Conditions:
SPEG-related disorder. Also called: SPEG-related condition.

Allele frequency attached by ClinVar (database versions not stated): ExAC 0.00008; gnomAD 0.00028; TOPMed 0.00037; 1000 Genomes Project 0.00040; ESP Exome Variant Server 0.00055; 1000 Genomes Project 30x 0.00062.
gnomAD v4.1: 93 of 1,613,398 alleles (0.0058%); highest among the groups gnomAD compares: African/African-American, 0.083%; no homozygotes.

Submissions (3):

Labcorp Genetics (formerly Invitae), Labcorp
Classification: Likely benign. Last evaluated: 2025-12-02. Review status: criteria provided, single submitter. Criteria: Invitae Variant Classification Sherloc (09022015). Collection method: clinical testing. Allele origin: germline.

Blueprint Genetics
Classification: Likely benign. Last evaluated: 2024-10-24. Review status: criteria provided, single submitter. Criteria: ACMG Guidelines, 2015. Collection method: clinical testing. Allele origin: germline.

PreventionGenetics, part of Exact Sciences
Classification: Likely benign for SPEG-related condition. Last evaluated: 2022-09-26. Review status: no assertion criteria provided. Collection method: clinical testing. Allele origin: germline. Not counted in ClinVar's aggregate classification.
Comment: This variant is classified as likely benign based on ACMG/AMP sequence variant interpretation guidelines (Richards et al. 2015 PMID: 25741868, with internal and published modifications).